The following is an entry in ClinVar:

NM_001347721.2(DYRK1A):c.1927C>T (p.His643Tyr)

Gene: DYRK1A (dual specificity tyrosine phosphorylation regulated kinase 1A; plus strand). Cytogenetic location: 21q22.13.
Variant type: single nucleotide variant.
Coding change: c.1927C>T on transcript NM_001347721.2 (MANE Select); coding-DNA position 1927, C replaced by T.
Protein change: p.His643Tyr; replaces histidine 643 with tyrosine.
Molecular consequence: missense variant. On other transcripts: 3 prime UTR variant (2).
Genome position (GRCh38, 1-based): chr21:37,512,193, C>T. VCF-style: chr21-37512193-C-T. GRCh37 (hg19) VCF-style: chr21-38884496-C-T.
Other names: c.1927C>T, p.His643Tyr (NM_001347722.2, NM_130436.2); c.1840C>T, p.His614Tyr (NM_001347723.2); c.1954C>T, p.His652Tyr (NM_001396.5); c.*330C>T (NM_101395.2); c.*239C>T (NM_130438.2); short protein forms H614Y, H643Y, H652Y.
Identifiers: ClinVar variation 2662573 (VCV002662573.1), dbSNP rs2518096924, ClinGen allele CA409939895.

ClinVar aggregate classification (germline): Uncertain significance (1 of 4 stars; one submission).

Submission:

GeneDx
Classification: Uncertain significance. Last evaluated: 2023-04-17. Review status: criteria provided, single submitter. Criteria: GeneDx Variant Classification Process June 2021. Collection method: clinical testing. Allele origin: germline. Affected: yes.
Comment: Not observed at significant frequency in large population cohorts (gnomAD); In silico analysis supports that this missense variant does not alter protein structure/function; Has not been previously published as pathogenic or benign to our knowledge